The following is an entry in ClinVar:

NM_001267550.2(TTN):c.58927G>A (p.Asp19643Asn)

Genes: TTN-AS1 (TTN antisense RNA 1; plus strand), TTN (titin; minus strand). Cytogenetic location: 2q31.2.
Variant type: single nucleotide variant.
Coding change: c.58927G>A on transcript NM_001267550.2 (MANE Select); coding-DNA position 58927, G replaced by A.
Protein change: p.Asp19643Asn; replaces aspartic acid 19643 with asparagine.
Molecular consequence: missense variant.
Genome position (GRCh38, 1-based): chr2:178,593,281, C>T on the plus strand (G>A on the coding strand, the complement: TTN is on the minus strand). VCF-style: chr2-178593281-C-T. GRCh37 (hg19) VCF-style: chr2-179458008-C-T.
Other names: p.D18002N:GAT>AAT; c.54004G>A, p.Asp18002Asn (NM_001256850.1); c.31732G>A, p.Asp10578Asn (NM_003319.4); c.51223G>A, p.Asp17075Asn (NM_133378.4); c.32107G>A, p.Asp10703Asn (NM_133432.3); c.32308G>A, p.Asp10770Asn (NM_133437.4); short protein forms D18002N, D19643N, D10703N, D10770N, D10578N, D17075N.
Identifiers: ClinVar variation 202739 (VCV000202739.5), dbSNP rs794729464, ClinGen allele CA310137.
Genomic context (GRCh38, chr2:178,593,281, plus strand): 5'-CAATACCAATTTCATTTTCTGCAGAAACCCGGAATTCATACTGACATCCTTCTAGAAGAT[C>T]AGGAACCCTAAATTTAGTGTATGGATGAATAGGATCTTTGGTAACTCTAGCCCATCGTTT-3'
Protein context (NP_001254479.2, residues 19633-19653): IHPYTKFRVP[Asp19643Asn]LLEGCQYEFR

ClinVar aggregate classification (germline): Uncertain significance. Review status: criteria provided, multiple submitters, no conflicts (2 of 4 stars). 2 submissions from 2 submitters: Uncertain significance (2). Last evaluated 2021-06-23.

Submissions (2):

Revvity Omics, Revvity
Classification: Uncertain significance. Last evaluated: 2021-06-23. Review status: criteria provided, single submitter. Criteria: ACMG Guidelines, 2015. Collection method: clinical testing. Allele origin: germline.

GeneDx
Classification: Uncertain significance. Last evaluated: 2014-03-07. Review status: criteria provided, single submitter. Criteria: GeneDx Variant Classification (06012015). Collection method: clinical testing. Allele origin: germline. Affected: yes.
Comment: Missense variants in the TTN gene are considered 'unclassified' if they are not previously reported in the literature and do not have >1% frequency in the population to be considered a polymorphism. Research indicates that truncating mutations in the TTN gene are expected to account for approximately 25% of familial and 18% of sporadic idiopathic DCM; however, truncating variants in the TTN gene have been reported in approximately 3% of reported control alleles. There has been little investigation into non-truncating variants. (Herman D et al. Truncations of titin causing dilated cardiomyopathy. N Eng J Med 366:619-628, 2012) The variant is found in CARDIOMYOPATHY panel(s).